The following is an entry in ClinVar:

ClinVar aggregate classification (germline): Uncertain significance (1 of 4 stars; one submission).

Conditions:
Holoprosencephaly 5 (HPE5). Identifiers: Orphanet 2162, MedGen C1864827, MONDO:0012322, OMIM 609637.

Allele frequency attached by ClinVar (database versions not stated): gnomAD 0.00001.

Submission:

Labcorp Genetics (formerly Invitae), Labcorp
Classification: Uncertain significance for Holoprosencephaly 5. Last evaluated: 2025-06-20. Review status: criteria provided, single submitter. Criteria: Invitae Variant Classification Sherloc (09022015). Collection method: clinical testing. Allele origin: germline.
Comment: This sequence change replaces alanine, which is neutral and non-polar, with proline, which is neutral and non-polar, at codon 89 of the ZIC2 protein (p.Ala89Pro). This variant is not present in population databases (gnomAD no frequency). This variant has not been reported in the literature in individuals affected with ZIC2-related conditions. ClinVar contains an entry for this variant (Variation ID: 1495498). Experimental studies and prediction algorithms are not available or were not evaluated, and the functional significance of this variant is currently unknown. In summary, the available evidence is currently insufficient to determine the role of this variant in disease. Therefore, it has been classified as a Variant of Uncertain Significance.

NM_007129.5(ZIC2):c.265G>C (p.Ala89Pro)

Gene: ZIC2 (Zic family zinc finger 2; plus strand). Cytogenetic location: 13q32.3.
Variant type: single nucleotide variant.
Coding change: c.265G>C on transcript NM_007129.5 (MANE Select); coding-DNA position 265, G replaced by C.
Protein change: p.Ala89Pro; replaces alanine 89 with proline.
Molecular consequence: missense variant.
Genome position (GRCh38, 1-based): chr13:99,982,329, G>C. VCF-style: chr13-99982329-G-C. GRCh37 (hg19) VCF-style: chr13-100634583-G-C.
Other names: short protein forms A89P.
Identifiers: ClinVar variation 1495498 (VCV001495498.6), dbSNP rs2053238740, ClinGen allele CA388636911.
Genomic context (GRCh38, chr13:99,982,329, plus strand): 5'-CTGTCCCCGGGCCAGAGCTCGGCGTTCACGTCGCAGGGCCCCGGCGCCTACCCCGGCTCC[G>C]CTGCGGCTGCCGCTGCGGCCGCAGCGCTCGGGCCCCACGCCGCGCACGTTGGCTCCTACT-3'
Protein context (NP_009060.2, residues 79-99): SQGPGAYPGS[Ala89Pro]AAAAAAAALG